The following is an entry in ClinVar:

NM_000245.4(MET):c.1048A>G (p.Lys350Glu)

Gene: MET (MET proto-oncogene, receptor tyrosine kinase; plus strand). Cytogenetic location: 7q31.2.
Variant type: single nucleotide variant.
Coding change: c.1048A>G on transcript NM_000245.4 (MANE Select); coding-DNA position 1048, A replaced by G.
Protein change: p.Lys350Glu; replaces lysine 350 with glutamic acid.
Molecular consequence: missense variant. On other transcripts: intron variant (1).
Genome position (GRCh38, 1-based): chr7:116,700,132, A>G. VCF-style: chr7-116700132-A-G. GRCh37 (hg19) VCF-style: chr7-116340186-A-G.
Other names: c.1048A>G, p.Lys350Glu (NM_001127500.3, NM_001324401.3); c.-91+27555A>G (NM_001324402.2); short protein forms K350E.
Identifiers: ClinVar variation 2877193 (VCV002877193.3), dbSNP rs201191014, ClinGen allele CA368970427.

ClinVar aggregate classification (germline): Uncertain significance (1 of 4 stars; one submission).

Conditions:
Renal cell carcinoma. Identifiers: Orphanet 217071, MedGen C0007134, MeSH D002292, MONDO:0005086, HP:0005584.

gnomAD v4.1: 2 of 1,602,052 alleles (0.00012%); highest among the groups gnomAD compares: Non-Finnish European, 0.00017%; no homozygotes.

Submission:

Labcorp Genetics (formerly Invitae), Labcorp
Classification: Uncertain significance for Renal cell carcinoma. Last evaluated: 2023-05-17. Review status: criteria provided, single submitter. Criteria: Invitae Variant Classification Sherloc (09022015). Collection method: clinical testing. Allele origin: germline.
Comment: This variant is not present in population databases (gnomAD no frequency). In summary, the available evidence is currently insufficient to determine the role of this variant in disease. Therefore, it has been classified as a Variant of Uncertain Significance. Advanced modeling of protein sequence and biophysical properties (such as structural, functional, and spatial information, amino acid conservation, physicochemical variation, residue mobility, and thermodynamic stability) performed at Invitae indicates that this missense variant is not expected to disrupt MET protein function. This variant has not been reported in the literature in individuals affected with MET-related conditions. This sequence change replaces lysine, which is basic and polar, with glutamic acid, which is acidic and polar, at codon 350 of the MET protein (p.Lys350Glu).